The following is an entry in ClinVar:

NM_000388.4(CASR):c.1883C>T (p.Ala628Val)

Gene: CASR (calcium sensing receptor; plus strand). Cytogenetic location: 3q21.1.
Variant type: single nucleotide variant.
Coding change: c.1883C>T on transcript NM_000388.4 (MANE Select); coding-DNA position 1883, C replaced by T.
Protein change: p.Ala628Val; replaces alanine 628 with valine.
Molecular consequence: missense variant.
Genome position (GRCh38, 1-based): chr3:122,283,837, C>T. VCF-style: chr3-122283837-C-T. GRCh37 (hg19) VCF-style: chr3-122002684-C-T.
Other names: c.1913C>T, p.Ala638Val (NM_001178065.2); short protein forms A628V, A638V.
Identifiers: ClinVar variation 3231520 (VCV003231520.1), dbSNP rs2473276712, ClinGen allele CA354157825.

ClinVar aggregate classification (germline): Uncertain significance (1 of 4 stars; one submission).

Conditions:
Nephrolithiasis/nephrocalcinosis. Identifiers: MedGen CN580796.

Allele frequency attached by ClinVar (database versions not stated): gnomAD exomes below 0.00001.
gnomAD v4.1: 1 of 1,614,066 alleles (0.000062%); highest among the groups gnomAD compares: South Asian, 0.0011%; no homozygotes.

Submission:

Ambry Genetics
Classification: Uncertain significance for Nephrolithiasis/nephrocalcinosis. Last evaluated: 2023-06-21. Review status: criteria provided, single submitter. Criteria: Ambry Variant Classification Scheme 2023. Collection method: clinical testing. Allele origin: germline.
Comment: The p.A628V variant (also known as c.1883C>T), located in coding exon 6 of the CASR gene, results from a C to T substitution at nucleotide position 1883. The alanine at codon 628 is replaced by valine, an amino acid with similar properties. This amino acid position is conserved. In addition, the in silico prediction for this alteration is inconclusive. Since supporting evidence is limited at this time, the clinical significance of this alteration remains unclear.